The following is an entry in ClinVar:

ClinVar aggregate classification (germline): Uncertain significance (1 of 4 stars; one submission).

Allele frequency attached by ClinVar (database versions not stated): gnomAD exomes below 0.00001; TOPMed below 0.00001.
gnomAD v4.1: 1 of 1,614,052 alleles (0.000062%); highest among the groups gnomAD compares: African/African-American, 0.0013%; no homozygotes.

Submission:

GeneDx
Classification: Uncertain significance. Last evaluated: 2022-04-12. Review status: criteria provided, single submitter. Criteria: GeneDx Variant Classification Process June 2021. Collection method: clinical testing. Allele origin: germline. Affected: yes.
Comment: Not observed at significant frequency in large population cohorts (gnomAD); In silico analysis supports that this missense variant does not alter protein structure/function; Has not been previously published as pathogenic or benign to our knowledge

NM_002546.4(TNFRSF11B):c.823G>C (p.Asp275His)

Gene: TNFRSF11B (TNF receptor superfamily member 11b; minus strand). Cytogenetic location: 8q24.12.
Variant type: single nucleotide variant.
Coding change: c.823G>C on transcript NM_002546.4 (MANE Select); coding-DNA position 823, G replaced by C.
Protein change: p.Asp275His; replaces aspartic acid 275 with histidine.
Molecular consequence: missense variant.
Genome position (GRCh38, 1-based): chr8:118,924,757, C>G on the plus strand (G>C on the coding strand, the complement: TNFRSF11B is on the minus strand). VCF-style: chr8-118924757-C-G. GRCh37 (hg19) VCF-style: chr8-119936996-C-G.
Other names: short protein forms D275H.
Identifiers: ClinVar variation 1722909 (VCV001722909.2), dbSNP rs1391441642, ClinGen allele CA371919069.